The following is an entry in ClinVar:

NM_207037.2(TCF12):c.458G>A (p.Gly153Glu)

Gene: TCF12 (transcription factor 12; plus strand). Cytogenetic location: 15q21.3.
Variant type: single nucleotide variant.
Coding change: c.458G>A on transcript NM_207037.2 (MANE Select); coding-DNA position 458, G replaced by A.
Protein change: p.Gly153Glu; replaces glycine 153 with glutamic acid.
Molecular consequence: missense variant. On other transcripts: 5 prime UTR variant (1).
Genome position (GRCh38, 1-based): chr15:57,192,225, G>A. VCF-style: chr15-57192225-G-A. GRCh37 (hg19) VCF-style: chr15-57484423-G-A.
Other names: c.458G>A, p.Gly153Glu (NM_001322151.2, NM_001322152.2, NM_001322157.3 and 7 more transcripts); c.-200G>A (NM_001322154.2); c.284G>A, p.Gly95Glu (NM_001322156.2, NM_001322158.2); c.494G>A, p.Gly165Glu (NM_001322164.2); short protein forms G153E, G165E, G95E.
Identifiers: ClinVar variation 3360013 (VCV003360013.1).

ClinVar aggregate classification (germline): Uncertain significance (1 of 4 stars; one submission).

Submission:

GeneDx
Classification: Uncertain significance. Last evaluated: 2023-06-18. Review status: criteria provided, single submitter. Criteria: GeneDx Variant Classification Process June 2021. Collection method: clinical testing. Allele origin: germline. Affected: yes.
Comment: Not observed at significant frequency in large population cohorts (gnomAD); In silico analysis supports that this missense variant has a deleterious effect on protein structure/function; Has not been previously published as pathogenic or benign to our knowledge